The following is an entry in ClinVar:

NM_000532.5(PCCB):c.1490C>G (p.Ala497Gly)

Gene: PCCB (propionyl-CoA carboxylase subunit beta; plus strand). Cytogenetic location: 3q22.3.
Variant type: single nucleotide variant.
Coding change: c.1490C>G on transcript NM_000532.5 (MANE Select); coding-DNA position 1490, C replaced by G.
Protein change: p.Ala497Gly; replaces alanine 497 with glycine.
Molecular consequence: missense variant.
Genome position (GRCh38, 1-based): chr3:136,328,849, C>G. VCF-style: chr3-136328849-C-G. GRCh37 (hg19) VCF-style: chr3-136047691-C-G.
Other names: c.1550C>G, p.Ala517Gly (NM_001178014.2); c.1490C>G (NM_000532.4); short protein forms A497G, A517G.
Identifiers: ClinVar variation 2167780 (VCV002167780.2), dbSNP rs142403318, ClinGen allele CA354649744.

ClinVar aggregate classification (germline): Uncertain significance. Review status: criteria provided, single submitter (1 of 4 stars). 2 submissions from 2 submitters: Uncertain significance (1). 1 of the submissions does not count toward it. Last evaluated 2022-05-18.

Conditions:
Propionic acidemia (PROP). Also called: GLYCINEMIA, KETOTIC; HYPERGLYCINEMIA WITH KETOACIDOSIS AND LEUKOPENIA; KETOTIC HYPERGLYCINEMIA. Identifiers: Orphanet 35, MedGen C0268579, MONDO:0011628, OMIM 606054, HP:0003571.

Submissions (2):

Labcorp Genetics (formerly Invitae), Labcorp
Classification: Uncertain significance for Propionic acidemia. Last evaluated: 2022-05-18. Review status: criteria provided, single submitter. Criteria: Invitae Variant Classification Sherloc (09022015). Collection method: clinical testing. Allele origin: germline.
Comment: This sequence change replaces alanine, which is neutral and non-polar, with glycine, which is neutral and non-polar, at codon 497 of the PCCB protein (p.Ala497Gly). This variant is not present in population databases (gnomAD no frequency). This variant has not been reported in the literature in individuals affected with PCCB-related conditions. Algorithms developed to predict the effect of missense changes on protein structure and function (SIFT, PolyPhen-2, Align-GVGD) all suggest that this variant is likely to be disruptive. In summary, the available evidence is currently insufficient to determine the role of this variant in disease. Therefore, it has been classified as a Variant of Uncertain Significance.

Natera, Inc.
Classification: Uncertain significance for Propionic acidemia. Last evaluated: 2025-03-22. Review status: no assertion criteria provided. Collection method: clinical testing. Allele origin: germline. Not counted in ClinVar's aggregate classification.